The following is an entry in ClinVar:

ClinVar aggregate classification (germline): Uncertain significance. Review status: criteria provided, multiple submitters, no conflicts (2 of 4 stars). 2 submissions from 2 submitters: Uncertain significance (2). Last evaluated 2023-02-14.

Conditions:
Chédiak-Higashi syndrome (CHS). Also called: Chediak-Higashi Syndrome. Identifiers: Orphanet 167, MedGen C0007965, MONDO:0008963, OMIM 214500.

Submissions (2):

Labcorp Genetics (formerly Invitae), Labcorp
Classification: Uncertain significance for Chédiak-Higashi syndrome. Last evaluated: 2023-02-14. Review status: criteria provided, single submitter. Criteria: Invitae Variant Classification Sherloc (09022015). Collection method: clinical testing. Allele origin: germline.
Comment: Advanced modeling of protein sequence and biophysical properties (such as structural, functional, and spatial information, amino acid conservation, physicochemical variation, residue mobility, and thermodynamic stability) performed at Invitae indicates that this missense variant is expected to disrupt LYST protein function. This sequence change replaces proline, which is neutral and non-polar, with serine, which is neutral and polar, at codon 2944 of the LYST protein (p.Pro2944Ser). This variant is not present in population databases (gnomAD no frequency). This variant has not been reported in the literature in individuals affected with LYST-related conditions. In summary, the available evidence is currently insufficient to determine the role of this variant in disease. Therefore, it has been classified as a Variant of Uncertain Significance.

Blueprint Genetics
Classification: Uncertain significance. Last evaluated: 2018-06-18. Review status: criteria provided, single submitter. Criteria: ACMG Guidelines, 2015. Collection method: clinical testing. Allele origin: germline.

NM_000081.4(LYST):c.8830C>T (p.Pro2944Ser)

Gene: LYST (lysosomal trafficking regulator; minus strand). Cytogenetic location: 1q42.3.
Variant type: single nucleotide variant.
Coding change: c.8830C>T on transcript NM_000081.4 (MANE Select); coding-DNA position 8830, C replaced by T.
Protein change: p.Pro2944Ser; replaces proline 2944 with serine.
Molecular consequence: missense variant.
Genome position (GRCh38, 1-based): chr1:235,731,149, G>A on the plus strand (C>T on the coding strand, the complement: LYST is on the minus strand). VCF-style: chr1-235731149-G-A. GRCh37 (hg19) VCF-style: chr1-235894449-G-A.
Other names: c.8830C>T, p.Pro2944Ser (NM_001301365.1); short protein forms P2944S.
Identifiers: ClinVar variation 2832611 (VCV002832611.4), dbSNP rs2527531607, ClinGen allele CA344950229.